The following is an entry in ClinVar:

ClinVar aggregate classification (germline): Pathogenic (1 of 4 stars; one submission).

Conditions:
Inborn genetic diseases. Identifiers: MedGen C0950123, MeSH D030342.

Submission:

Ambry Genetics
Classification: Pathogenic for Inborn genetic diseases. Last evaluated: 2025-04-17. Review status: criteria provided, single submitter. Criteria: Ambry Variant Classification Scheme 2023. Collection method: clinical testing. Allele origin: germline.
Comment: The c.2242C>T (p.Q748*) alteration, located in exon 20 (coding exon 20) of the SMC3 gene, consists of a C to T substitution at nucleotide position 2242. This changes the amino acid from a glutamine (Q) to a stop codon at amino acid position 748. This alteration is expected to result in loss of function by premature protein truncation or nonsense-mediated mRNA decay. This variant was not reported in population-based cohorts in the Genome Aggregation Database (gnomAD). Based on the available evidence, this alteration is classified as pathogenic.

NM_005445.4(SMC3):c.2242C>T (p.Gln748Ter)

Gene: SMC3 (structural maintenance of chromosomes 3; plus strand). Cytogenetic location: 10q25.2.
Variant type: single nucleotide variant.
Coding change: c.2242C>T on transcript NM_005445.4 (MANE Select); coding-DNA position 2242, C replaced by T.
Protein change: p.Gln748Ter; replaces glutamine 748 with a stop codon.
Molecular consequence: nonsense.
Genome position (GRCh38, 1-based): chr10:110,598,264, C>T. VCF-style: chr10-110598264-C-T. GRCh37 (hg19) VCF-style: chr10-112358022-C-T.
Other names: short protein forms Q748*.
Identifiers: ClinVar variation 3958639 (VCV003958639.1).